The following is an entry in ClinVar:

ClinVar aggregate classification (germline): Uncertain significance (1 of 4 stars; one submission).

Conditions:
Dystonic disorder. Also called: Dystonia. Identifiers: MedGen C0013421, MONDO:0003441, HP:0001332.

Allele frequency attached by ClinVar (database versions not stated): gnomAD exomes 0.00006; gnomAD 0.00059; TOPMed 0.00071; 1000 Genomes Project 0.00080; 1000 Genomes Project 30x 0.00094; ESP Exome Variant Server 0.00100.

Submissions (2):

Labcorp Genetics (formerly Invitae), Labcorp
Classification: Uncertain significance for Dystonic disorder. Last evaluated: 2024-04-22. Review status: criteria provided, single submitter. Criteria: Invitae Variant Classification Sherloc (09022015). Collection method: clinical testing. Allele origin: germline.
Comment: This sequence change falls in intron 4 of the TOR1A gene. It does not directly change the encoded amino acid sequence of the TOR1A protein. It affects a nucleotide within the consensus splice site. This variant is present in population databases (rs200937403, gnomAD 0.2%). This variant has not been reported in the literature in individuals affected with TOR1A-related conditions. ClinVar contains an entry for this variant (Variation ID: 1981617). Variants that disrupt the consensus splice site are a relatively common cause of aberrant splicing (PMID: 17576681, 9536098). Algorithms developed to predict the effect of sequence changes on RNA splicing suggest that this variant is not likely to affect RNA splicing. In summary, the available evidence is currently insufficient to determine the role of this variant in disease. Therefore, it has been classified as a Variant of Uncertain Significance.

Dr. Peter K. Rogan Lab, Western University
No classification provided (evidence only). Condition: Cervical cancer. Review status: no classification provided. Collection method: in vitro. Allele origin: not applicable. Functional consequence: retained intron. Not counted in ClinVar's aggregate classification.

Literature cited by the submitters: PubMed 17576681 (cited by Labcorp Genetics (formerly Invitae), Labcorp); PubMed 9536098 (cited by Labcorp Genetics (formerly Invitae), Labcorp).

NM_000113.3(TOR1A):c.749-3C>T

Gene: TOR1A (torsin family 1 member A; minus strand). Cytogenetic location: 9q34.11.
Variant type: single nucleotide variant.
Coding change: c.749-3C>T on transcript NM_000113.3 (MANE Select); 3 bases into the intron before coding-DNA position 749, C replaced by T.
Molecular consequence: intron variant.
Genome position (GRCh38, 1-based): chr9:129,814,225, G>A on the plus strand (C>T on the coding strand, the complement: TOR1A is on the minus strand). VCF-style: chr9-129814225-G-A. GRCh37 (hg19) VCF-style: chr9-132576504-G-A.
Identifiers: ClinVar variation 1981617 (VCV001981617.5), dbSNP rs200937403, ClinGen allele CA5278539.